The following is an entry in ClinVar:

NM_003356.4(UCP3):c.492C>T (p.Asp164=)

Gene: UCP3 (uncoupling protein 3; minus strand). Cytogenetic location: 11q13.4.
Variant type: single nucleotide variant.
Coding change: c.492C>T on transcript NM_003356.4 (MANE Select); coding-DNA position 492, C replaced by T.
Protein change: p.Asp164=; no amino-acid change (aspartic acid 164 retained).
Molecular consequence: synonymous variant.
Genome position (GRCh38, 1-based): chr11:74,005,779, G>A on the plus strand (C>T on the coding strand, the complement: UCP3 is on the minus strand). VCF-style: chr11-74005779-G-A. GRCh37 (hg19) VCF-style: chr11-73716824-G-A.
Other names: c.492C>T, p.Asp164= (NM_022803.3); c.492C>T (NM_003356.3).
Identifiers: ClinVar variation 4691291 (VCV004691291.2).

ClinVar aggregate classification (germline): Likely benign. Review status: criteria provided, multiple submitters, no conflicts (2 of 4 stars). 2 submissions from 2 submitters: Likely benign (2). Last evaluated 2025-08-14.

Conditions:
UCP3-related disorder. Also called: UCP3-related condition.

gnomAD v4.1: 26 of 1,614,046 alleles (0.0016%); highest among the groups gnomAD compares: Admixed American, 0.0017%; no homozygotes.

Submissions (2):

PreventionGenetics, part of Exact Sciences
Classification: Likely benign for UCP3-related condition. Last evaluated: 2025-08-14. Review status: criteria provided, single submitter. Criteria: ACMG Guidelines, 2015. Collection method: clinical testing. Allele origin: germline.
Comment: This variant is classified as likely benign based on ACMG/AMP sequence variant interpretation guidelines (Richards et al. 2015 PMID: 25741868, with internal and published modifications).

Labcorp Genetics (formerly Invitae), Labcorp
Classification: Likely benign. Last evaluated: 2025-03-01. Review status: criteria provided, single submitter. Criteria: Invitae Variant Classification Sherloc (09022015). Collection method: clinical testing. Allele origin: germline.